The following is an entry in ClinVar:

NM_182961.4(SYNE1):c.6415C>A (p.Gln2139Lys)

Gene: SYNE1 (spectrin repeat containing nuclear envelope protein 1; minus strand). Cytogenetic location: 6q25.2.
Variant type: single nucleotide variant.
Coding change: c.6415C>A on transcript NM_182961.4 (MANE Select); coding-DNA position 6415, C replaced by A.
Protein change: p.Gln2139Lys; replaces glutamine 2139 with lysine.
Molecular consequence: missense variant.
Genome position (GRCh38, 1-based): chr6:152,409,193, G>T on the plus strand (C>A on the coding strand, the complement: SYNE1 is on the minus strand). VCF-style: chr6-152409193-G-T. GRCh37 (hg19) VCF-style: chr6-152730328-G-T.
Other names: c.6436C>A, p.Gln2146Lys (NM_033071.5); short protein forms Q2139K, Q2146K.
Identifiers: ClinVar variation 2010669 (VCV002010669.4), dbSNP rs756672754, ClinGen allele CA366126052.
Genomic context (GRCh38, chr6:152,409,193, plus strand): 5'-TTTTCTTCAGCTCAGATAACAAGTGTTTTCCTTTGCTGGTAAAGTTATCCAAGTCTTTCT[G>T]TTTGTAATTCATTTTGTTCTTGGCAGTTTCATGCTGTGGATAAATGATTTCTTAATTAAT-3'
Protein context (NP_892006.3, residues 2129-2149): ETAKNKMNYK[Gln2139Lys]KDLDNFTSKG

ClinVar aggregate classification (germline): Uncertain significance (1 of 4 stars; one submission).

Conditions:
Autosomal recessive ataxia, Beauce type. Also called: SYNE1 Deficiency; Spinocerebellar ataxia, autosomal recessive 8; ATAXIA, RECESSIVE, OF BEAUCE; SYNE1-Related Autosomal Recessive Cerebellar Ataxia. Identifiers: Orphanet 88644, MedGen C1853116, MONDO:0012549, OMIM 610743.
Emery-Dreifuss muscular dystrophy 4, autosomal dominant (EDMD4). Also called: EMERY-DREIFUSS MUSCULAR DYSTROPHY 4 WITH VARIABLE FEATURES. Identifiers: Orphanet 261, MedGen C2751807, MONDO:0013071, OMIM 612998.

gnomAD v4.1: 1 of 1,614,016 alleles (0.000062%); highest among the groups gnomAD compares: Admixed American, 0.0017%; no homozygotes.

Submission:

Labcorp Genetics (formerly Invitae), Labcorp
Classification: Uncertain significance for Emery-Dreifuss muscular dystrophy 4, autosomal dominant; Autosomal recessive ataxia, Beauce type. Last evaluated: 2025-09-15. Review status: criteria provided, single submitter. Criteria: Invitae Variant Classification Sherloc (09022015). Collection method: clinical testing. Allele origin: germline.
Comment: This sequence change replaces glutamine, which is neutral and polar, with lysine, which is basic and polar, at codon 2146 of the SYNE1 protein (p.Gln2146Lys). This variant is present in population databases (no rsID available, gnomAD 0.003%). This variant has not been reported in the literature in individuals affected with SYNE1-related conditions. ClinVar contains an entry for this variant (Variation ID: 2010669). An algorithm developed to predict the effect of missense changes on protein structure and function (PolyPhen-2) suggests that this variant is likely to be disruptive. In summary, the available evidence is currently insufficient to determine the role of this variant in disease. Therefore, it has been classified as a Variant of Uncertain Significance.